The following is an entry in ClinVar:

ClinVar aggregate classification (germline): Pathogenic (1 of 4 stars; one submission).

Conditions:
Autosomal recessive limb-girdle muscular dystrophy. Identifiers: Orphanet 102015, MedGen C2931907, MONDO:0015152.

Submission:

Myriad Genetics, Inc.
Classification: Pathogenic for Autosomal recessive limb-girdle muscular dystrophy. Last evaluated: 2025-09-13. Review status: criteria provided, single submitter. Criteria: Myriad Autosomal Dominant, Autosomal Recessive and X-Linked Classification Criteria (2023). Collection method: clinical testing. Allele origin: unknown.
Comment: NM_003494.3(DYSF):c.978delT(D327Mfs*11) is expected to be pathogenic in the context of dysferlinopathy. This variant is predicted to lead to an abnormal or absent protein product due to the creation of a premature termination codon in DYSF, a gene where loss-of-function variants are known to be pathogenic. Please note: this variant was assessed in the context of healthy population screening.

NM_001130987.2(DYSF):c.1074del (p.Asp359fs)

Gene: DYSF (dysferlin; plus strand). Cytogenetic location: 2p13.2.
Variant type: Deletion.
Coding change: c.1074del on transcript NM_001130987.2 (MANE Select); coding-DNA position 1074, one base deleted (T; older notation c.1074delT).
Protein change: p.Asp359fs; shifts the reading frame from aspartic acid 359.
Molecular consequence: frameshift variant.
Genome position (GRCh38, 1-based): chr2:71,520,829, T deleted. VCF-style (leftmost placement, unchanged base first): chr2-71520828-CT-C. GRCh37 (hg19) VCF-style: chr2-71747958-CT-C.
Other names: c.981del, p.Asp328fs (NM_001130455.2, NM_001130983.2, NM_001130984.2 and 1 more transcripts); c.978del, p.Asp327fs (NM_001130976.2, NM_001130977.2, NM_001130978.2 and 1 more transcripts); c.1071del, p.Asp358fs (NM_001130979.2, NM_001130980.2, NM_001130981.2); c.1074del, p.Asp359fs (NM_001130982.2, NM_001130985.2); short protein forms D327fs, D328fs, D358fs, D359fs.
Identifiers: ClinVar variation 5014974 (VCV005014974.1).